The following is an entry in ClinVar:

NM_058216.3(RAD51C):c.145+4A>G

Genes: RAD51C (RAD51 paralog C; plus strand), LOC130061310 (ATAC-STARR-seq lymphoblastoid active region 12491; plus strand). Cytogenetic location: 17q22.
Variant type: single nucleotide variant.
Coding change: c.145+4A>G on transcript NM_058216.3 (MANE Select); 4 bases into the intron after coding-DNA position 145, A replaced by G.
Molecular consequence: intron variant.
Genome position (GRCh38, 1-based): chr17:58,692,792, A>G. VCF-style: chr17-58692792-A-G. GRCh37 (hg19) VCF-style: chr17-56770153-A-G.
Other names: c.145+4A>G (NM_058216.1, NM_002876.4).
Identifiers: ClinVar variation 647092 (VCV000647092.8), dbSNP rs1598449822, ClinGen allele CA915950644.

ClinVar aggregate classification (germline): Uncertain significance. Review status: criteria provided, multiple submitters, no conflicts (2 of 4 stars). 2 submissions from 2 submitters: Uncertain significance (2). Last evaluated 2025-09-10.

Conditions:
Hereditary cancer-predisposing syndrome. Also called: Hereditary Cancer Syndrome; Tumor predisposition; Neoplastic Syndromes, Hereditary; Hereditary neoplastic syndrome. Identifiers: Orphanet 140162, MedGen C0027672, MeSH D009386, MONDO:0015356.
Fanconi anemia complementation group O. Also called: RAD51C-Related Fanconi Anemia. Identifiers: Orphanet 84, MedGen C3150653, MONDO:0013248, OMIM 613390.

Submissions (2):

Ambry Genetics
Classification: Uncertain significance for Hereditary cancer-predisposing syndrome. Last evaluated: 2025-09-10. Review status: criteria provided, single submitter. Criteria: Ambry Variant Classification Scheme 2023. Collection method: clinical testing. Allele origin: germline.
Comment: The c.145+4A>G intronic variant results from an A to G substitution 4 nucleotides after coding exon 1 in the RAD51C gene. This nucleotide position is highly conserved in available vertebrate species. In silico splice site analysis predicts that this alteration will weaken the native splice donor site; however, direct evidence is insufficient at this time (Ambry internal data). Based on the available evidence, the clinical significance of this variant remains unclear.

Labcorp Genetics (formerly Invitae), Labcorp
Classification: Uncertain significance for Fanconi anemia complementation group O. Last evaluated: 2024-01-16. Review status: criteria provided, single submitter. Criteria: Invitae Variant Classification Sherloc (09022015). Collection method: clinical testing. Allele origin: germline.
Comment: This sequence change falls in intron 1 of the RAD51C gene. It does not directly change the encoded amino acid sequence of the RAD51C protein. It affects a nucleotide within the consensus splice site. This variant is not present in population databases (gnomAD no frequency). This variant has not been reported in the literature in individuals affected with RAD51C-related conditions. ClinVar contains an entry for this variant (Variation ID: 647092). Variants that disrupt the consensus splice site are a relatively common cause of aberrant splicing (PMID: 17576681, 9536098). Algorithms developed to predict the effect of sequence changes on RNA splicing suggest that this variant may disrupt the consensus splice site. In summary, the available evidence is currently insufficient to determine the role of this variant in disease. Therefore, it has been classified as a Variant of Uncertain Significance.

Literature cited by the submitters: PubMed 17576681 (cited by Labcorp Genetics (formerly Invitae), Labcorp); PubMed 9536098 (cited by Labcorp Genetics (formerly Invitae), Labcorp).